The following is an entry in ClinVar:

NM_203486.3(DLL3):c.1610T>C (p.Val537Ala)

Genes: DLL3 (delta like canonical Notch ligand 3; plus strand), LOC130064419 (ATAC-STARR-seq lymphoblastoid silent region 10610; plus strand). Cytogenetic location: 19q13.2.
Variant type: single nucleotide variant.
Coding change: c.1610T>C on transcript NM_203486.3 (MANE Select); coding-DNA position 1610, T replaced by C.
Protein change: p.Val537Ala; replaces valine 537 with alanine.
Molecular consequence: missense variant.
Genome position (GRCh38, 1-based): chr19:39,507,555, T>C. VCF-style: chr19-39507555-T-C. GRCh37 (hg19) VCF-style: chr19-39998195-T-C.
Other names: c.1610T>C, p.Val537Ala (NM_016941.4); c.1610T>C (NM_016941.3); short protein forms V537A.
Identifiers: ClinVar variation 1021768 (VCV001021768.7), dbSNP rs369266504, ClinGen allele CA9432481.

ClinVar aggregate classification (germline): Uncertain significance. Review status: criteria provided, multiple submitters, no conflicts (2 of 4 stars). 2 submissions from 2 submitters: Uncertain significance (2). Last evaluated 2025-03-07.

Conditions:
Inborn genetic diseases. Identifiers: MedGen C0950123, MeSH D030342.

Allele frequency attached by ClinVar (database versions not stated): ExAC 0.00007; gnomAD exomes 0.00007 and 0.00012; ESP Exome Variant Server 0.00008; gnomAD 0.00012 and 0.00013; TOPMed 0.00013.

Submissions (2):

Ambry Genetics
Classification: Uncertain significance for Inborn genetic diseases. Last evaluated: 2025-03-07. Review status: criteria provided, single submitter. Criteria: Ambry Variant Classification Scheme 2023. Collection method: clinical testing. Allele origin: germline.

Labcorp Genetics (formerly Invitae), Labcorp
Classification: Uncertain significance. Last evaluated: 2022-07-27. Review status: criteria provided, single submitter. Criteria: Invitae Variant Classification Sherloc (09022015). Collection method: clinical testing. Allele origin: germline.
Comment: This sequence change replaces valine, which is neutral and non-polar, with alanine, which is neutral and non-polar, at codon 537 of the DLL3 protein (p.Val537Ala). This variant is present in population databases (rs369266504, gnomAD 0.01%). This variant has not been reported in the literature in individuals affected with DLL3-related conditions. ClinVar contains an entry for this variant (Variation ID: 1021768). Algorithms developed to predict the effect of missense changes on protein structure and function output the following: SIFT: "Tolerated"; PolyPhen-2: "Benign"; Align-GVGD: "Class C0". The alanine amino acid residue is found in multiple mammalian species, which suggests that this missense change does not adversely affect protein function. In summary, the available evidence is currently insufficient to determine the role of this variant in disease. Therefore, it has been classified as a Variant of Uncertain Significance.